The following is an entry in ClinVar:

NM_001321075.3(DLG4):c.788-1G>C

Genes: DLG4 (discs large MAGUK scaffold protein 4; minus strand), LOC126862479 (MED14-independent group 3 enhancer GRCh37_chr17:7099412-7100611; plus strand). Cytogenetic location: 17p13.1.
Variant type: single nucleotide variant.
Coding change: c.788-1G>C on transcript NM_001321075.3 (MANE Select); the canonical splice acceptor site of the intron before coding-DNA position 788, G replaced by C.
Molecular consequence: splice acceptor variant.
Genome position (GRCh38, 1-based): chr17:7,197,053, C>G on the plus strand (G>C on the coding strand, the complement: DLG4 is on the minus strand). VCF-style: chr17-7197053-C-G. GRCh37 (hg19) VCF-style: chr17-7100372-C-G.
Other names: c.917-1G>C (NM_001365.5); c.779-1G>C (NM_001128827.4); c.707-1G>C (NM_001369566.3); c.608-1G>C (NM_001321077.3, NM_001321076.3); c.908-1G>C (NM_001321074.1).
Identifiers: ClinVar variation 3769610 (VCV003769610.2).

ClinVar aggregate classification (germline): Pathogenic (1 of 4 stars; one submission).

Conditions:
Neurodevelopmental abnormality. Identifiers: MedGen C4022737, HP:0012759.

Submission:

Clinical Genetics Laboratory, Skane University Hospital Lund
Classification: Pathogenic for Neurodevelopmental abnormality. Last evaluated: 2024-10-24. Review status: criteria provided, single submitter. Criteria: ACMG Guidelines, 2015. Collection method: clinical testing. Allele origin: de novo. Inheritance: Autosomal dominant inheritance. Affected: yes.
Comment: A splicing variant is detected in DLG4 as described. The trio analysis shows that it has arisen de novo, i.e. neither of the parents is a carrier. The identified variant is located in the splice acceptor position -1 (intron 8), and the consequence could either be skipping of exon 9 (so-called exon skipping, which in that case is predicted to be out-of-frame) or, more likely, according to SpliceAI prediction, that an alternative splice site is activated further into exon 9, which is predicted to lead to a frameshift and a truncated protein p.(Tyr264Profs*4). Regardless of which of these two predicted outcomes occurs, the variant is interpreted as a so-called loss-of-function variant (LOF). The variant has not been observed in population controls (gnomAD v4.1.0) and has not previously been reported in the clinical databases ClinVar or HGMD. ClinGen has classified DLG4 as haploinsufficient. ACMG criteria used: PVS1, PS2, PM2